The following is an entry in ClinVar:

NM_000062.3(SERPING1):c.1036C>T (p.Gln346Ter)

Gene: SERPING1 (serpin family G member 1; plus strand). Cytogenetic location: 11q12.1.
Variant type: single nucleotide variant.
Coding change: c.1036C>T on transcript NM_000062.3 (MANE Select); coding-DNA position 1036, C replaced by T.
Protein change: p.Gln346Ter; replaces glutamine 346 with a stop codon.
Molecular consequence: nonsense.
Genome position (GRCh38, 1-based): chr11:57,611,723, C>T. VCF-style: chr11-57611723-C-T. GRCh37 (hg19) VCF-style: chr11-57379196-C-T.
Other names: c.1036C>T, p.Gln346Ter (NM_001032295.2); short protein forms Q346*.
Identifiers: ClinVar variation 690348 (VCV000690348.2), dbSNP rs1590829609, ClinGen allele CA380702289.

ClinVar aggregate classification (germline): Pathogenic (1 of 4 stars; one submission).

Conditions:
Hereditary angioedema type 1 (HAE1). Identifiers: Orphanet 100050, Orphanet 100051, Orphanet 91378, MedGen C2717906, MONDO:0015053, OMIM 106100.

Submission:

Department of Immunology and Histocompatibility, University of Thessaly
Classification: Pathogenic for Hereditary angioedema type 1. Review status: criteria provided, single submitter. Criteria: ACMG Guidelines, 2015. Collection method: clinical testing. Allele origin: germline. Affected: yes. Observed: 1 variant allele.
Comment: The c.1036C>T (p.Gln346Ter) variant has been previously reported in association with hereditary angioedema in the literature (Verpy et al., 1996, Speletas et al., 2015, Loules et al., 2018) and in HAE database. It causes interruption of the reading frame by the formation of a termination codon which results in a truncated protein. It has never been detected in approximately 120000 individuals of the Exome Aggregation Consortium (ExAC), indicating that it is not a common variant. Taking all the above into account and according to ACMG Guidelines (Criteria: PVS1, PM2, PM4, PP4, PP5) the variant is considered pathogenic.

Literature cited by the submitters: PubMed 29753808.